The following is an entry in ClinVar:

ClinVar aggregate classification (germline): Conflicting classifications of pathogenicity. Review status: criteria provided, conflicting classifications (1 of 4 stars). 4 submissions from 4 submitters: Uncertain significance (1); Likely benign (1). 2 of the submissions do not count toward it. Last evaluated 2026-01-28.

Conditions:
Agammaglobulinemia 2, autosomal recessive (AGM2). Also called: AGAMMAGLOBULINEMIA, AUTOSOMAL RECESSIVE, DUE TO IGLL1 DEFECT. Identifiers: MedGen C3150750, MONDO:0013287, OMIM 613500.

Allele frequency attached by ClinVar (database versions not stated): gnomAD exomes 0.00042 and 0.00080; ExAC 0.00092; 1000 Genomes Project 30x 0.00187; gnomAD 0.00197 and 0.00213; 1000 Genomes Project 0.00200; TOPMed 0.00243; ESP Exome Variant Server 0.00277.
gnomAD v4.1: 947 of 1,613,900 alleles (0.059%); highest among the groups gnomAD compares: African/African-American, 0.53%; 3 homozygotes.

Submissions (4):

Labcorp Genetics (formerly Invitae), Labcorp
Classification: Likely benign for Agammaglobulinemia 2, autosomal recessive. Last evaluated: 2026-01-28. Review status: criteria provided, single submitter. Criteria: Invitae Variant Classification Sherloc (09022015). Collection method: clinical testing. Allele origin: germline.

Center for Genomics, Ann and Robert H. Lurie Children's Hospital of Chicago
Classification: Uncertain significance for Agammaglobulinemia 2, autosomal recessive. Last evaluated: 2021-06-21. Review status: criteria provided, single submitter. Criteria: ACMG Guidelines, 2015. Collection method: clinical testing. Allele origin: germline.
Comment: IGLL1 NM_020070.3 exon 3 p.Thr117Ile (c.350C>T): This variant has been reported in the literature in at least 3 individuals with progressive multifocal leukoencephalopathy as a potential risk allele for this condition (Eis 2020 PMID:32256442). _x000D_ This variant is present in 0.5% (208/41446) of African alleles in the Genome Aggregation Database. This variant is present in ClinVar (Variation ID:791698). Evolutionary conservation and computational predictive tools suggest that this variant may not impact the protein. In summary, data on this variant is insufficient for disease classification. Therefore, the clinical significance of this variant is uncertain.

Clinical Genetics DNA and cytogenetics Diagnostics Lab, Erasmus MC, Erasmus Medical Center
Classification: Uncertain significance. Review status: no assertion criteria provided. Collection method: clinical testing. Allele origin: germline. Affected: yes. Study: VKGL Data-share Consensus. Not counted in ClinVar's aggregate classification.

Laboratory of Diagnostic Genome Analysis, Leiden University Medical Center (LUMC)
Classification: Uncertain significance. Review status: no assertion criteria provided. Collection method: clinical testing. Allele origin: germline. Affected: yes. Study: VKGL Data-share Consensus. Not counted in ClinVar's aggregate classification.

NM_020070.4(IGLL1):c.350C>T (p.Thr117Ile)

Gene: IGLL1 (immunoglobulin lambda like polypeptide 1; minus strand). Cytogenetic location: 22q11.23.
Variant type: single nucleotide variant.
Coding change: c.350C>T on transcript NM_020070.4 (MANE Select); coding-DNA position 350, C replaced by T.
Protein change: p.Thr117Ile; replaces threonine 117 with isoleucine.
Molecular consequence: missense variant. On other transcripts: synonymous variant (1).
Genome position (GRCh38, 1-based): chr22:23,573,558, G>A on the plus strand (C>T on the coding strand, the complement: IGLL1 is on the minus strand). VCF-style: chr22-23573558-G-A. GRCh37 (hg19) VCF-style: chr22-23915745-G-A.
Other names: c.353C>T, p.Thr118Ile (NM_001369906.1); c.234C>T, p.His78= (NM_152855.3); short protein forms T117I, T118I.
Identifiers: ClinVar variation 791698 (VCV000791698.14), dbSNP rs143780139, ClinGen allele CA10143298.